The following is an entry in ClinVar:

ClinVar aggregate classification (germline): Uncertain significance (1 of 4 stars; one submission).

Conditions:
Mitochondrial hypertrophic cardiomyopathy with lactic acidosis due to MTO1 deficiency. Also called: CARDIOMYOPATHY, INFANTILE HYPERTROPHIC MITOCHONDRIAL, AND LACTIC ACIDOSIS; Combined oxidative phosphorylation deficiency 10. Identifiers: Orphanet 314637, MedGen C4749921, MONDO:0013865, OMIM 614702.

Submission:

Labcorp Genetics (formerly Invitae), Labcorp
Classification: Uncertain significance for Mitochondrial hypertrophic cardiomyopathy with lactic acidosis due to MTO1 deficiency. Last evaluated: 2022-07-05. Review status: criteria provided, single submitter. Criteria: Invitae Variant Classification Sherloc (09022015). Collection method: clinical testing. Allele origin: germline.
Comment: This sequence change replaces cysteine, which is neutral and slightly polar, with tryptophan, which is neutral and slightly polar, at codon 575 of the MTO1 protein (p.Cys575Trp). This variant is not present in population databases (gnomAD no frequency). This variant has not been reported in the literature in individuals affected with MTO1-related conditions. ClinVar contains an entry for this variant (Variation ID: 837793). Algorithms developed to predict the effect of missense changes on protein structure and function (SIFT, PolyPhen-2, Align-GVGD) all suggest that this variant is likely to be tolerated. In summary, the available evidence is currently insufficient to determine the role of this variant in disease. Therefore, it has been classified as a Variant of Uncertain Significance.

NM_012123.4(MTO1):c.1725T>G (p.Cys575Trp)

Gene: MTO1 (mitochondrial tRNA translation optimization 1; plus strand). Cytogenetic location: 6q13.
Variant type: single nucleotide variant.
Coding change: c.1725T>G on transcript NM_012123.4 (MANE Select); coding-DNA position 1725, T replaced by G.
Protein change: p.Cys575Trp; replaces cysteine 575 with tryptophan.
Molecular consequence: missense variant.
Genome position (GRCh38, 1-based): chr6:73,492,321, T>G. VCF-style: chr6-73492321-T-G. GRCh37 (hg19) VCF-style: chr6-74202044-T-G.
Other names: c.1845T>G, p.Cys615Trp (NM_001123226.2); c.1800T>G, p.Cys600Trp (NM_133645.3); short protein forms C575W, C600W, C615W.
Identifiers: ClinVar variation 837793 (VCV000837793.11), dbSNP rs1771835062, ClinGen allele CA364700256.
Genomic context (GRCh38, chr6:73,492,321, plus strand): 5'-AGTTGACATGGATTCATTAGCCAAGGCTGTTCCAGAGCCCTTGAAGAAGTATACTAAATG[T>G]AGAGAGCTGGCTGAAAGACTGAAAATAGAAGGTAGAAAATAATTTTTGACTTAACATACC-3'
Protein context (NP_036255.2, residues 565-585): VPEPLKKYTK[Cys575Trp]RELAERLKIE